The following is an entry in ClinVar:

ClinVar aggregate classification (germline): Uncertain significance (1 of 4 stars; one submission).

Conditions:
COG5-congenital disorder of glycosylation. Also called: CDG IIi; CONGENITAL DISORDER OF GLYCOSYLATION, TYPE IIi; COG5-CDG. Identifiers: Orphanet 263487, MedGen C3150876, MONDO:0013325, OMIM 613612.

Allele frequency attached by ClinVar (database versions not stated): gnomAD exomes below 0.00001; ExAC 0.00001.
gnomAD v4.1: 1 of 1,612,778 alleles (0.000062%); highest among the groups gnomAD compares: Admixed American, 0.0017%; no homozygotes.

Submission:

Labcorp Genetics (formerly Invitae), Labcorp
Classification: Uncertain significance for COG5-congenital disorder of glycosylation. Last evaluated: 2022-04-09. Review status: criteria provided, single submitter. Criteria: Invitae Variant Classification Sherloc (09022015). Collection method: clinical testing. Allele origin: germline.
Comment: This sequence change replaces methionine, which is neutral and non-polar, with isoleucine, which is neutral and non-polar, at codon 453 of the COG5 protein (p.Met453Ile). This variant is present in population databases (rs778784886, gnomAD 0.003%). This variant has not been reported in the literature in individuals affected with COG5-related conditions. ClinVar contains an entry for this variant (Variation ID: 864596). Algorithms developed to predict the effect of missense changes on protein structure and function output the following: SIFT: "Tolerated"; PolyPhen-2: "Benign"; Align-GVGD: "Class C0". The isoleucine amino acid residue is found in multiple mammalian species, which suggests that this missense change does not adversely affect protein function. In summary, the available evidence is currently insufficient to determine the role of this variant in disease. Therefore, it has been classified as a Variant of Uncertain Significance.

NM_006348.5(COG5):c.1266G>C (p.Met422Ile)

Gene: COG5 (component of oligomeric golgi complex 5; minus strand). Cytogenetic location: 7q22.3.
Variant type: single nucleotide variant.
Coding change: c.1266G>C on transcript NM_006348.5 (MANE Select); coding-DNA position 1266, G replaced by C.
Protein change: p.Met422Ile; replaces methionine 422 with isoleucine.
Molecular consequence: missense variant.
Genome position (GRCh38, 1-based): chr7:107,298,189, C>G on the plus strand (G>C on the coding strand, the complement: COG5 is on the minus strand). VCF-style: chr7-107298189-C-G. GRCh37 (hg19) VCF-style: chr7-106938634-C-G.
Other names: c.1266G>C, p.Met422Ile (NM_001161520.2, NM_001379511.1, NM_001379512.1 and 3 more transcripts); c.696G>C, p.Met232Ile (NM_001379515.1); c.552G>C, p.Met184Ile (NM_001379516.1); short protein forms M422I, M232I, M184I.
Identifiers: ClinVar variation 864596 (VCV000864596.7), dbSNP rs778784886, ClinGen allele CA4430964.